The following is an entry in ClinVar:

NM_001360016.2(G6PD):c.499A>T (p.Ile167Phe)

Gene: G6PD (glucose-6-phosphate dehydrogenase; minus strand). Cytogenetic location: Xq28.
Variant type: single nucleotide variant.
Coding change: c.499A>T on transcript NM_001360016.2 (MANE Select); coding-DNA position 499, A replaced by T.
Protein change: p.Ile167Phe; replaces isoleucine 167 with phenylalanine.
Molecular consequence: missense variant.
Genome position (GRCh38, 1-based): chrX:154,534,483, T>A on the plus strand (A>T on the coding strand, the complement: G6PD is on the minus strand). VCF-style: chrX-154534483-T-A. GRCh37 (hg19) VCF-style: chrX-153762698-T-A.
Other names: c.589A>T, p.Ile197Phe (NM_000402.4); c.499A>T, p.Ile167Phe (NM_001042351.3); short protein forms I167F, I197F.
Identifiers: ClinVar variation 1722695 (VCV001722695.2), dbSNP rs2523268406, ClinGen allele CA415238177.

ClinVar aggregate classification (germline): Uncertain significance (1 of 4 stars; one submission).

Conditions:
Anemia, nonspherocytic hemolytic, due to G6PD deficiency (CNSHA1). Also called: Hemolytic anemia due to G6PD deficiency; Class I glucose-6-phosphate dehydrogenase deficiency; Favism, susceptibility to; ANEMIA, CONGENITAL, NONSPHEROCYTIC HEMOLYTIC, 1. Identifiers: Orphanet 466026, MedGen C2720289, MONDO:0010480, OMIM 300908.

Submission:

Dunham Lab, University of Washington
Classification: Uncertain significance for Anemia, nonspherocytic hemolytic, due to G6PD deficiency. Last evaluated: 2022-08-12. Review status: criteria provided, single submitter. Criteria: Bayesian ACMG Guidelines, 2018. Collection method: curation. Allele origin: unknown.
Comment: Predicted to be disease causing by Mutation Taster and possibly damaging by PolyPhen (PP3). Not found in gnomAD (PM2). Post_P 0.500 (odds of pathogenicity 9.01, Prior_P 0.1).

Literature cited by the submitters: PubMed 31862010.